The following is an entry in ClinVar:

NM_001854.4(COL11A1):c.2027G>A (p.Gly676Glu)

Gene: COL11A1 (collagen type XI alpha 1 chain; minus strand). Cytogenetic location: 1p21.1.
Variant type: single nucleotide variant.
Coding change: c.2027G>A on transcript NM_001854.4 (MANE Select); coding-DNA position 2027, G replaced by A.
Protein change: p.Gly676Glu; replaces glycine 676 with glutamic acid.
Molecular consequence: missense variant. On other transcripts: non-coding transcript variant (1).
Genome position (GRCh38, 1-based): chr1:103,002,763, C>T on the plus strand (G>A on the coding strand, the complement: COL11A1 is on the minus strand). VCF-style: chr1-103002763-C-T. GRCh37 (hg19) VCF-style: chr1-103468319-C-T.
Other names: c.1910G>A, p.Gly637Glu (NM_001190709.2); c.2063G>A, p.Gly688Glu (NM_080629.3); c.1679G>A, p.Gly560Glu (NM_080630.4); short protein forms G560E, G637E, G676E, G688E.
Identifiers: ClinVar variation 3376589 (VCV003376589.1).

ClinVar aggregate classification (germline): Likely pathogenic (1 of 4 stars; one submission).

Conditions:
Stickler syndrome type 2 (STL2). Also called: STICKLER SYNDROME, TYPE II; STICKLER SYNDROME, BEADED VITREOUS TYPE; STICKLER SYNDROME, VITREOUS TYPE 2; COL11A1-Related Stickler Syndrome. Identifiers: Orphanet 828, Orphanet 90654, MedGen C1858084, MONDO:0011493, OMIM 604841.

Submission:

Victorian Clinical Genetics Services, Murdoch Childrens Research Institute
Classification: Likely pathogenic for Stickler syndrome type 2. Last evaluated: 2022-02-02. Review status: criteria provided, single submitter. Criteria: ACMG Guidelines, 2015. Collection method: clinical testing. Allele origin: germline. Inheritance: Autosomal dominant inheritance. Affected: yes.
Comment: Based on the classification scheme VCGS_Germline_v1.3.4, this variant is classified as Likely Pathogenic. Following criteria are met: 0102 - Loss of function is a known mechanism of disease in this gene and is associated with COL11A1-related skeletal dysplasias and deafness 37 (MIM#618533). Dominant negative is also a suggested mechanism (OMIM). (I) 0108 - This gene is associated with both recessive and dominant disease. Both missense variants and those predicted to result in a truncated protein, have been reported to cause recessive and dominant modes of disease. Marshall syndrome and Stickler syndrome have been reported with both dominant and recessive modes of inheritance (PMID: 32578940, PMID: 25073711), where the latter is usually caused by variants within exon 9. (I) 0115 - Variants in this gene causing Stickler syndrome are known to have variable expressivity (PMID: 27081569). (I) 0200 - Variant is predicted to result in a missense amino acid change from glycine to glutamic acid. (I) 0251 - This variant is heterozygous. (I) 0301 - Variant is absent from gnomAD (both v2 and v3). (SP) 0501 - Missense variant consistently predicted to be damaging by multiple in silico tools or highly conserved with a major amino acid change. (SP) 0601 - Variant is located in the well-established functional triple helical region. This variant disrupts a glycine within a G-X-Y repeat motif (PMID: 27081569, Decipher). (SP) 0705 - No comparable missense variants have previous evidence for pathogenicity. (I) 0807 - This variant has no previous evidence of pathogenicity. (I) 0905 - No published segregation evidence has been identified for this variant. (I) 1007 - No published functional evidence has been identified for this variant. (I) 1208 - Inheritance information for this variant is not currently available in this individual. (I) Legend: (SP) - Supporting pathogenic, (I) - Information, (SB) - Supporting benign

Literature cited by the submitters: PubMed 25073711; PubMed 27081569; PubMed 32578940.